The following is an entry in ClinVar:

ClinVar aggregate classification (germline): Uncertain significance (1 of 4 stars; one submission).

Conditions:
Oligodontia-cancer predisposition syndrome. Also called: TOOTH AGENESIS-COLORECTAL CANCER SYNDROME. Identifiers: Orphanet 300576, MedGen C1837750, MONDO:0012075, OMIM 608615. Disease mechanism: loss of function.

Submission:

Labcorp Genetics (formerly Invitae), Labcorp
Classification: Uncertain significance for Oligodontia-cancer predisposition syndrome. Last evaluated: 2024-04-15. Review status: criteria provided, single submitter. Criteria: Invitae Variant Classification Sherloc (09022015). Collection method: clinical testing. Allele origin: germline.
Comment: This sequence change replaces glutamine, which is neutral and polar, with leucine, which is neutral and non-polar, at codon 332 of the AXIN2 protein (p.Gln332Leu). This variant is not present in population databases (gnomAD no frequency). This variant has not been reported in the literature in individuals affected with AXIN2-related conditions. ClinVar contains an entry for this variant (Variation ID: 1003926). Advanced modeling of protein sequence and biophysical properties (such as structural, functional, and spatial information, amino acid conservation, physicochemical variation, residue mobility, and thermodynamic stability) performed at Invitae indicates that this missense variant is not expected to disrupt AXIN2 protein function with a negative predictive value of 80%. In summary, the available evidence is currently insufficient to determine the role of this variant in disease. Therefore, it has been classified as a Variant of Uncertain Significance.

NM_004655.4(AXIN2):c.995A>T (p.Gln332Leu)

Gene: AXIN2 (axin 2; minus strand). Cytogenetic location: 17q24.1.
Variant type: single nucleotide variant.
Coding change: c.995A>T on transcript NM_004655.4 (MANE Select); coding-DNA position 995, A replaced by T.
Protein change: p.Gln332Leu; replaces glutamine 332 with leucine.
Molecular consequence: missense variant.
Genome position (GRCh38, 1-based): chr17:65,541,519, T>A on the plus strand (A>T on the coding strand, the complement: AXIN2 is on the minus strand). VCF-style: chr17-65541519-T-A. GRCh37 (hg19) VCF-style: chr17-63537637-T-A.
Other names: c.995A>T, p.Gln332Leu (NM_001363813.1); short protein forms Q332L.
Identifiers: ClinVar variation 1003926 (VCV001003926.8), dbSNP rs763207034, ClinGen allele CA400679317.